The following is an entry in ClinVar:

ClinVar aggregate classification (germline): Benign. Review status: criteria provided, multiple submitters, no conflicts (2 of 4 stars). 2 submissions from 2 submitters: Benign (2). Last evaluated 2020-02-18.

Allele frequency attached by ClinVar (database versions not stated): ESP Exome Variant Server 0.15324; gnomAD 0.15586 and 0.15713; TOPMed 0.15769; 1000 Genomes Project 0.18970; 1000 Genomes Project 30x 0.19410.
gnomAD v4.1: 201,961 of 1,613,822 alleles (13%); highest among the groups gnomAD compares: East Asian, 33%; 14,677 homozygotes.

Submissions (2):

GeneDx
Classification: Benign. Last evaluated: 2020-02-18. Review status: criteria provided, single submitter. Criteria: GeneDx Variant Classification Process June 2021. Collection method: clinical testing. Allele origin: germline. Affected: yes.
Comment: This variant is associated with the following publications: (PMID: 29407631)

Breakthrough Genomics
Classification: Benign. Review status: criteria provided, single submitter. Criteria: ACMG Guidelines, 2015. Collection method: not provided. Allele origin: germline. Inheritance: Unknown mechanism. Affected: yes.

NM_001080471.3(PEAR1):c.2544C>A (p.Asn848Lys)

Gene: PEAR1 (platelet endothelial aggregation receptor 1; plus strand). Cytogenetic location: 1q23.1.
Variant type: single nucleotide variant.
Coding change: c.2544C>A on transcript NM_001080471.3 (MANE Select); coding-DNA position 2544, C replaced by A.
Protein change: p.Asn848Lys; replaces asparagine 848 with lysine.
Molecular consequence: missense variant.
Genome position (GRCh38, 1-based): chr1:156,913,423, C>A. VCF-style: chr1-156913423-C-A. GRCh37 (hg19) VCF-style: chr1-156883215-C-A.
Other names: c.2352C>A, p.Asn784Lys (NM_001353682.2, NM_001353683.2); short protein forms N784K, N848K.
Identifiers: ClinVar variation 1243276 (VCV001243276.3), dbSNP rs822442, ClinGen allele CA1170617.
Genomic context (GRCh38, chr1:156,913,423, plus strand): 5'-CTCTCCCTCCTGCACTGTCCCCTCTTAGGTTCCAGGCCCGCTCTTTGCCAGCCTGCAGAA[C>A]CCTGAGCGGCCAGGTGGGGCCCAAGGGCATGATAACCACACCACCCTGCCTGCTGACTGG-3'
Protein context (NP_001073940.1, residues 838-858): VPGPLFASLQ[Asn848Lys]PERPGGAQGH